The following is an entry in ClinVar:

NM_015474.4(SAMHD1):c.1747-17CT[3]

Genes: SAMHD1 (SAM and HD domain containing deoxynucleoside triphosphate triphosphohydrolase 1; minus strand), TLDC2 (TBC/LysM-associated domain containing 2; plus strand). Cytogenetic location: 20q11.23.
Variant type: Microsatellite.
Coding change: c.1747-17CT[3] on transcript NM_015474.4 (MANE Select); three copies in a row of the 2-base unit CT starting at c.1747-17; the reference has four copies in a row; one copy, 2 bases deleted.
Molecular consequence: intron variant. On other transcripts: 3 prime UTR variant (3).
Genome position (GRCh38, 1-based): chr20:36,893,076-36,893,077, AG deleted on the plus strand (CT on the coding strand, the reverse complement: SAMHD1 is on the minus strand); deleting any 2 consecutive bases within chr20:36,893,076-36,893,084 gives the same sequence; the position shown is the placement nearest the transcript's 3' end. VCF-style (leftmost placement, unchanged base first): chr20-36893075-AAG-A. GRCh37 (hg19) VCF-style: chr20-35521478-AAG-A.
Other names: c.1747-11_1747-10del (NM_015474.3); c.*233GA[3] (NM_001304783.1, NM_080628.3); c.*823CT[3] (NM_001363733.2); c.1642-17CT[3] (NM_001363729.2).
Identifiers: ClinVar variation 735488 (VCV000735488.12), dbSNP rs774995485, ClinGen allele CA9844418.

ClinVar aggregate classification (germline): Likely benign. Review status: criteria provided, multiple submitters, no conflicts (2 of 4 stars). 3 submissions from 3 submitters: Likely benign (3). Last evaluated 2025-10-15.

Conditions:
Aicardi-Goutieres syndrome 5. Identifiers: Orphanet 51, MedGen C2749659, MONDO:0013059, OMIM 612952.
SAMHD1-related disorder. Also called: SAMHD1-related condition.

Submissions (3):

PreventionGenetics, part of Exact Sciences
Classification: Likely benign for SAMHD1-related condition. Last evaluated: 2025-10-15. Review status: criteria provided, single submitter. Criteria: ACMG Guidelines, 2015. Collection method: clinical testing. Allele origin: germline.
Comment: This variant is classified as likely benign based on ACMG/AMP sequence variant interpretation guidelines (Richards et al. 2015 PMID: 25741868, with internal and published modifications).

Labcorp Genetics (formerly Invitae), Labcorp
Classification: Likely benign for Aicardi-Goutieres syndrome 5. Last evaluated: 2025-06-15. Review status: criteria provided, single submitter. Criteria: Invitae Variant Classification Sherloc (09022015). Collection method: clinical testing. Allele origin: germline.

Blueprint Genetics
Classification: Likely benign. Last evaluated: 2020-01-10. Review status: criteria provided, single submitter. Criteria: ACMG Guidelines, 2015. Collection method: clinical testing. Allele origin: germline.